The following is an entry in ClinVar:

ClinVar aggregate classification (germline): Conflicting classifications of pathogenicity. Review status: criteria provided, conflicting classifications (1 of 4 stars). 5 submissions from 5 submitters: Uncertain significance (4); Likely benign (1). Last evaluated 2025-12-30.

Conditions:
Hereditary cancer-predisposing syndrome. Also called: Neoplastic Syndromes, Hereditary; Hereditary Cancer Syndrome; Tumor predisposition; Hereditary neoplastic syndrome. Identifiers: Orphanet 140162, MedGen C0027672, MeSH D009386, MONDO:0015356.
Familial adenomatous polyposis 3. Also called: NTHL1-associated polyposis; NTHL1-related attenuated familial adenomatous polyposis; NTHL1-Related Adenomatous Polyposis and Colorectal Cancer; NTHL1 Tumor Syndrome. Identifiers: Orphanet 220460, Orphanet 454840, MedGen C4225157, MONDO:0014630, OMIM 616415.

Allele frequency attached by ClinVar (database versions not stated): gnomAD exomes 0.00001; ExAC 0.00002; gnomAD 0.00003; TOPMed 0.00003.

Submissions (5):

Labcorp Genetics (formerly Invitae), Labcorp
Classification: Uncertain significance. Last evaluated: 2025-12-30. Review status: criteria provided, single submitter. Criteria: Invitae Variant Classification Sherloc (09022015). Collection method: clinical testing. Allele origin: germline.
Comment: This sequence change replaces alanine, which is neutral and non-polar, with serine, which is neutral and polar, at codon 11 of the NTHL1 protein (p.Ala11Ser). The frequency data for this variant in the population databases is considered unreliable, as metrics indicate poor data quality at this position in the gnomAD database. This variant has not been reported in the literature in individuals affected with NTHL1-related conditions. ClinVar contains an entry for this variant (Variation ID: 644468). An algorithm developed to predict the effect of missense changes on protein structure and function (PolyPhen-2) suggests that this variant is likely to be tolerated. In summary, the available evidence is currently insufficient to determine the role of this variant in disease. Therefore, it has been classified as a Variant of Uncertain Significance.

Ambry Genetics
Classification: Likely benign for Hereditary cancer-predisposing syndrome. Last evaluated: 2024-03-27. Review status: criteria provided, single submitter. Criteria: Ambry Variant Classification Scheme 2023. Collection method: clinical testing. Allele origin: germline.

GeneDx
Classification: Uncertain significance. Last evaluated: 2023-10-10. Review status: criteria provided, single submitter. Criteria: GeneDx Variant Classification Process June 2021. Collection method: clinical testing. Allele origin: germline. Affected: yes.
Comment: Not observed at significant frequency in large population cohorts (gnomAD); In silico analysis supports that this missense variant does not alter protein structure/function; Has not been previously published as pathogenic or benign to our knowledge

Sema4
Classification: Uncertain significance for Hereditary cancer-predisposing syndrome. Last evaluated: 2021-11-22. Review status: criteria provided, single submitter. Criteria: Sema4 Curation Guidelines. Collection method: curation. Allele origin: germline.
Comment: The NTHL1 c.31G>T (p.A11S) variant has not been reported in literature to our knowledge. It was observed in 2/213034 chromosomes across all populations, in the large and broad cohorts of the Genome Aggregation Database (PMID: 32461654). This variant has been reported in ClinVar (Variation ID: 644468). In silico tools suggest the impact of the variant on protein function is benign, though these predictions have not been confirmed by functional studies. The evidence is insufficient to meet ACMG/AMP criteria for classifying the variant as benign or pathogenic. Thus, the clinical significance of this variant is currently uncertain.

Revvity Omics, Revvity
Classification: Uncertain significance for Familial adenomatous polyposis 3. Last evaluated: 2020-01-30. Review status: criteria provided, single submitter. Criteria: ACMG Guidelines, 2015. Collection method: clinical testing. Allele origin: germline.

NM_002528.7(NTHL1):c.7G>T (p.Ala3Ser)

Gene: NTHL1 (nth like DNA glycosylase 1; minus strand). Cytogenetic location: 16p13.3.
Variant type: single nucleotide variant.
Coding change: c.7G>T on transcript NM_002528.7 (MANE Select); coding-DNA position 7, G replaced by T.
Protein change: p.Ala3Ser; replaces alanine 3 with serine.
Molecular consequence: missense variant. On other transcripts: 5 prime UTR variant (1).
Genome position (GRCh38, 1-based): chr16:2,047,817, C>A on the plus strand (G>T on the coding strand, the complement: NTHL1 is on the minus strand). VCF-style: chr16-2047817-C-A. GRCh37 (hg19) VCF-style: chr16-2097818-C-A.
Other names: c.7G>T, p.Ala3Ser (NM_001318193.2, LRG_1366t1); c.-172G>T (NM_001318194.2); short protein forms A3S.
Identifiers: ClinVar variation 644468 (VCV000644468.18), dbSNP rs753350404, ClinGen allele CA027686.